The following is an entry in ClinVar:

ClinVar aggregate classification (germline): Uncertain significance. Review status: criteria provided, multiple submitters, no conflicts (2 of 4 stars). 3 submissions from 3 submitters: Uncertain significance (3). Last evaluated 2025-02-10.

Conditions:
Inborn genetic diseases. Identifiers: MedGen C0950123, MeSH D030342.
Monocytopenia with susceptibility to infections. Also called: MONOCYTOPENIA AND MYCOBACTERIAL INFECTION SYNDROME; MONOCYTOPENIA WITH SUSCEPTIBILITY TO MYCOBACTERIAL, FUNGAL, AND PAPILLOMAVIRUS INFECTIONS AND MYELODYSPLASIA; COMBINED IMMUNODEFICIENCY WITH SUSCEPTIBILITY TO MYCOBACTERIAL, VIRAL, AND FUNGAL INFECTIONS; Dendritic cell, monocyte, B lymphocyte, and natural killer lymphocyte deficiency; IMMUNODEFICIENCY 21; GATA2 DEFICIENCY. Identifiers: Orphanet 228423, MedGen C3280030, MONDO:0013607, OMIM 614172.
Deafness-lymphedema-leukemia syndrome. Also called: Lymphedema, primary, with myelodysplasia; Emberger syndrome. Identifiers: Orphanet 3226, MedGen C3279664, MONDO:0013540, OMIM 614038.

Allele frequency attached by ClinVar (database versions not stated): gnomAD 0.00002; TOPMed 0.00002; ExAC 0.00003.
gnomAD v4.1: 12 of 1,612,936 alleles (0.00074%); highest among the groups gnomAD compares: Non-Finnish European, 0.00093%; no homozygotes.

Submissions (3):

Ambry Genetics
Classification: Uncertain significance for Inborn genetic diseases. Last evaluated: 2025-02-10. Review status: criteria provided, single submitter. Criteria: Ambry Variant Classification Scheme 2023. Collection method: clinical testing. Allele origin: germline.
Comment: The p.M34L variant (also known as c.100A>T), located in coding exon 1 of the GATA2 gene, results from an A to T substitution at nucleotide position 100. The methionine at codon 34 is replaced by leucine, an amino acid with highly similar properties. This amino acid position is highly conserved in available vertebrate species. In addition, this alteration is predicted to be deleterious by in silico analysis. Based on the available evidence, the clinical significance of this variant remains unclear.

Labcorp Genetics (formerly Invitae), Labcorp
Classification: Uncertain significance for Monocytopenia with susceptibility to infections; Deafness-lymphedema-leukemia syndrome. Last evaluated: 2024-04-15. Review status: criteria provided, single submitter. Criteria: Invitae Variant Classification Sherloc (09022015). Collection method: clinical testing. Allele origin: germline.
Comment: This sequence change replaces methionine, which is neutral and non-polar, with leucine, which is neutral and non-polar, at codon 34 of the GATA2 protein (p.Met34Leu). This variant is present in population databases (rs762794939, gnomAD 0.004%). This variant has not been reported in the literature in individuals affected with GATA2-related conditions. ClinVar contains an entry for this variant (Variation ID: 951993). Advanced modeling of protein sequence and biophysical properties (such as structural, functional, and spatial information, amino acid conservation, physicochemical variation, residue mobility, and thermodynamic stability) performed at Invitae indicates that this missense variant is not expected to disrupt GATA2 protein function with a negative predictive value of 95%. In summary, the available evidence is currently insufficient to determine the role of this variant in disease. Therefore, it has been classified as a Variant of Uncertain Significance.

GeneDx
Classification: Uncertain significance. Last evaluated: 2024-04-03. Review status: criteria provided, single submitter. Criteria: GeneDx Variant Classification Process June 2021. Collection method: clinical testing. Allele origin: germline. Affected: yes.
Comment: Not observed at significant frequency in large population cohorts (gnomAD); In silico analysis supports that this missense variant does not alter protein structure/function; Has not been previously published as pathogenic or benign to our knowledge

NM_032638.5(GATA2):c.100A>T (p.Met34Leu)

Gene: GATA2 (GATA binding protein 2; minus strand). Cytogenetic location: 3q21.3.
Variant type: single nucleotide variant.
Coding change: c.100A>T on transcript NM_032638.5 (MANE Select); coding-DNA position 100, A replaced by T.
Protein change: p.Met34Leu; replaces methionine 34 with leucine.
Molecular consequence: missense variant.
Genome position (GRCh38, 1-based): chr3:128,486,932, T>A on the plus strand (A>T on the coding strand, the complement: GATA2 is on the minus strand). VCF-style: chr3-128486932-T-A. GRCh37 (hg19) VCF-style: chr3-128205775-T-A.
Other names: c.100A>T, p.Met34Leu (NM_001145661.2, NM_001145662.1); short protein forms M34L.
Identifiers: ClinVar variation 951993 (VCV000951993.9), dbSNP rs762794939, ClinGen allele CA2600102.